The following is an entry in ClinVar:

ClinVar aggregate classification (germline): Conflicting classifications of pathogenicity. Review status: criteria provided, conflicting classifications (1 of 4 stars). 5 submissions from 5 submitters: Uncertain significance (4); Likely benign (1). Last evaluated 2026-08-12.

Conditions:
Hereditary cancer-predisposing syndrome. Also called: Tumor predisposition; Hereditary neoplastic syndrome; Neoplastic Syndromes, Hereditary; Hereditary Cancer Syndrome. Identifiers: Orphanet 140162, MedGen C0027672, MeSH D009386, MONDO:0015356.
Familial adenomatous polyposis 2. Also called: COLORECTAL ADENOMATOUS POLYPOSIS, AUTOSOMAL RECESSIVE; ADENOMAS, MULTIPLE COLORECTAL, AUTOSOMAL RECESSIVE; FAP type 2; MUTYH Polyposis; Adenomas, multiple colorectal; MYH-associated polyposis. Identifiers: Orphanet 220460, Orphanet 247798, MedGen C3272841, MONDO:0012041, OMIM 608456.

Allele frequency attached by ClinVar (database versions not stated): gnomAD exomes below 0.00001; TOPMed below 0.00001.

Submissions (5):

Ambry Genetics
Classification: Likely benign for Hereditary cancer-predisposing syndrome. Last evaluated: 2026-08-12. Review status: criteria provided, single submitter. Criteria: Ambry Variant Classification Scheme 2023. Collection method: clinical testing. Allele origin: germline.

Labcorp Genetics (formerly Invitae), Labcorp
Classification: Uncertain significance for Familial adenomatous polyposis 2. Last evaluated: 2025-05-27. Review status: criteria provided, single submitter. Criteria: Invitae Variant Classification Sherloc (09022015). Collection method: clinical testing. Allele origin: germline.
Comment: This sequence change replaces leucine, which is neutral and non-polar, with phenylalanine, which is neutral and non-polar, at codon 4 of the MUTYH protein (p.Leu4Phe). This variant is present in population databases (no rsID available, gnomAD 0.006%). This variant has not been reported in the literature in individuals affected with MUTYH-related conditions. ClinVar contains an entry for this variant (Variation ID: 628380). An algorithm developed to predict the effect of missense changes on protein structure and function (PolyPhen-2) suggests that this variant is likely to be tolerated. In summary, the available evidence is currently insufficient to determine the role of this variant in disease. Therefore, it has been classified as a Variant of Uncertain Significance.

Color Diagnostics, LLC DBA Color Health
Classification: Uncertain significance for Hereditary cancer-predisposing syndrome. Last evaluated: 2023-12-04. Review status: criteria provided, single submitter. Criteria: ACMG Guidelines, 2015. Collection method: clinical testing. Allele origin: germline.
Comment: This missense variant replaces leucine with phenylalanine at codon 4 of the MUTYH protein. Computational prediction suggests that this variant may not impact protein structure and function (internally defined REVEL score threshold <= 0.5, PMID: 27666373). To our knowledge, functional studies have not been reported for this variant. This variant has not been reported in individuals affected with MUTYH-related disorders in the literature. This variant has been identified in 1/249218 chromosomes in the general population by the Genome Aggregation Database (gnomAD). The available evidence is insufficient to determine the role of this variant in disease conclusively. Therefore, this variant is classified as a Variant of Uncertain Significance.

Women's Health and Genetics/Laboratory Corporation of America, LabCorp
Classification: Uncertain significance. Last evaluated: 2023-09-01. Review status: criteria provided, single submitter. Criteria: LabCorp Variant Classification Summary - May 2015. Collection method: clinical testing. Allele origin: germline.

Baylor Genetics
Classification: Uncertain significance for Familial adenomatous polyposis 2. Last evaluated: 2023-05-18. Review status: criteria provided, single submitter. Criteria: ACMG Guidelines, 2015. Collection method: clinical testing. Allele origin: unknown.

NM_001128425.2(MUTYH):c.10C>T (p.Leu4Phe)

Genes: MUTYH (mutY DNA glycosylase; minus strand), TOE1 (target of EGR1, exonuclease; plus strand). Cytogenetic location: 1p34.1.
Variant type: single nucleotide variant.
Coding change: c.10C>T on transcript NM_001128425.2 (MANE Plus Clinical); coding-DNA position 10, C replaced by T.
Protein change: p.Leu4Phe; replaces leucine 4 with phenylalanine.
Molecular consequence: missense variant. On other transcripts: 5 prime UTR variant (8), non-coding transcript variant (3).
Genome position (GRCh38, 1-based): chr1:45,340,245, G>A on the plus strand (C>T on the coding strand, the complement: MUTYH is on the minus strand). VCF-style: chr1-45340245-G-A. GRCh37 (hg19) VCF-style: chr1-45805917-G-A.
Other names: c.-8G>A (NM_025077.4); c.-33C>T (NM_001048171.2); c.10C>T, p.Leu4Phe (NM_001293190.2, NM_001407069.1, NM_001407073.1 and 1 more transcripts); c.-245C>T (NM_001293192.2); c.-304C>T (NM_001350650.2); c.-240C>T (NM_001350651.2); c.-49C>T (NM_001407070.1, NM_001407071.1); c.-29C>T (NM_001407072.1); short protein forms L4F.
Identifiers: ClinVar variation 628380 (VCV000628380.17), dbSNP rs587782404, ClinGen allele CA340137905.